The following is an entry in ClinVar:

ClinVar aggregate classification (germline): Pathogenic (1 of 4 stars; one submission).

Conditions:
Niemann-Pick disease, type C1. Also called: NIEMANN-PICK DISEASE, VARIANT TYPE C1; NEUROVISCERAL STORAGE DISEASE WITH VERTICAL SUPRANUCLEAR OPHTHALMOPLEGIA; NIEMANN-PICK DISEASE WITH CHOLESTEROL ESTERIFICATION BLOCK; NIEMANN-PICK DISEASE WITHOUT SPHINGOMYELINASE DEFICIENCY; NIEMANN-PICK DISEASE, CHRONIC NEURONOPATHIC FORM. Identifiers: Orphanet 646, MedGen C3179455, MONDO:0009757, OMIM 257220.

Submission:

Labcorp Genetics (formerly Invitae), Labcorp
Classification: Pathogenic for Niemann-Pick disease, type C1. Last evaluated: 2023-03-07. Review status: criteria provided, single submitter. Criteria: Invitae Variant Classification Sherloc (09022015). Collection method: clinical testing. Allele origin: germline.
Comment: This sequence change creates a premature translational stop signal (p.Ile1220Asnfs*38) in the NPC1 gene. While this is not anticipated to result in nonsense mediated decay, it is expected to disrupt the last 59 amino acid(s) of the NPC1 protein. This variant is not present in population databases (gnomAD no frequency). This variant has not been reported in the literature in individuals affected with NPC1-related conditions. This variant disrupts a region of the NPC1 protein in which other variant(s) (p.Leu1248Valfs*3) have been determined to be pathogenic (PMID: 10521290, 19744920). This suggests that this is a clinically significant region of the protein, and that variants that disrupt it are likely to be disease-causing. For these reasons, this variant has been classified as Pathogenic.

Literature cited by the submitters: PubMed 10521290; PubMed 19744920.

NM_000271.5(NPC1):c.3658dup (p.Ile1220fs)

Gene: NPC1 (NPC intracellular cholesterol transporter 1; minus strand). Cytogenetic location: 18q11.2.
Variant type: Duplication.
Coding change: c.3658dup on transcript NM_000271.5 (MANE Select); coding-DNA position 3658, one base duplicated (A; older notation c.3658dupA).
Protein change: p.Ile1220fs; shifts the reading frame from isoleucine 1220.
Molecular consequence: frameshift variant.
Genome position (GRCh38, 1-based): chr18:23,533,451, T duplicated on the plus strand (A on the coding strand, the reverse complement: NPC1 is on the minus strand); the first of 3 consecutive T bases (chr18:23,533,451-23,533,453); duplicating any one gives the same sequence. VCF-style (leftmost placement, unchanged base first): chr18-23533450-A-AT. GRCh37 (hg19) VCF-style: chr18-21113414-A-AT.
Other names: short protein forms I1220fs.
Identifiers: ClinVar variation 2814799 (VCV002814799.3), dbSNP rs2511176814, ClinGen allele CA2739268562.